The following is an entry in ClinVar:

ClinVar aggregate classification (germline): Conflicting classifications of pathogenicity. Review status: criteria provided, conflicting classifications (1 of 4 stars). 2 submissions from 2 submitters: Uncertain significance (1); Likely benign (1). Last evaluated 2025-03-27.

Conditions:
Cardiovascular phenotype. Identifiers: MedGen CN230736.

gnomAD v4.1: 73 of 1,545,826 alleles (0.0047%); highest among the groups gnomAD compares: Non-Finnish European, 0.0061%; no homozygotes.

Submissions (2):

Mayo Clinic Laboratories, Mayo Clinic
Classification: Uncertain significance. Last evaluated: 2025-03-27. Review status: criteria provided, single submitter. Criteria: ACMG Guidelines, 2015. Collection method: clinical testing. Allele origin: germline. Observed: 1 variant allele.
Comment: BP4_strong

Ambry Genetics
Classification: Likely benign for Cardiovascular phenotype. Last evaluated: 2025-01-05. Review status: criteria provided, single submitter. Criteria: Ambry Variant Classification Scheme 2023. Collection method: clinical testing. Allele origin: germline.

NM_001367624.2(ZNF469):c.2729C>G (p.Thr910Ser)

Gene: ZNF469 (zinc finger protein 469; plus strand). Cytogenetic location: 16q24.2.
Variant type: single nucleotide variant.
Coding change: c.2729C>G on transcript NM_001367624.2 (MANE Select); coding-DNA position 2729, C replaced by G.
Protein change: p.Thr910Ser; replaces threonine 910 with serine.
Molecular consequence: missense variant.
Genome position (GRCh38, 1-based): chr16:88,430,199, C>G. VCF-style: chr16-88430199-C-G. GRCh37 (hg19) VCF-style: chr16-88496607-C-G.
Other names: NM_001127464.1:c.2729C>G; p.Thr910Ser; short protein forms T910S.
Identifiers: ClinVar variation 3821073 (VCV003821073.2).